The following is an entry in ClinVar:

NM_005609.4(PYGM):c.1919G>A (p.Arg640His)

Gene: PYGM (glycogen phosphorylase, muscle associated; minus strand). Cytogenetic location: 11q13.1.
Variant type: single nucleotide variant.
Coding change: c.1919G>A on transcript NM_005609.4 (MANE Select); coding-DNA position 1919, G replaced by A.
Protein change: p.Arg640His; replaces arginine 640 with histidine.
Molecular consequence: missense variant.
Genome position (GRCh38, 1-based): chr11:64,751,375, C>T on the plus strand (G>A on the coding strand, the complement: PYGM is on the minus strand). VCF-style: chr11-64751375-C-T. GRCh37 (hg19) VCF-style: chr11-64518847-C-T.
Other names: c.1919G>A (NM_005609.2); c.1655G>A, p.Arg552His (NM_001164716.1); short protein forms R640H, R552H.
Identifiers: ClinVar variation 2078018 (VCV002078018.5), dbSNP rs141267088, ClinGen allele CA6079676.
Genomic context (GRCh38, chr11:64,751,375, plus strand): 5'-CAGCACCCACCTTTCTCGGCCAGTGAGACTCGGTAGTTCTCCAGGAAGATGACACGGAGG[C>T]GGTCACCCACTGCCGGGTCATGGTTGACCACATCCCCGATGGCTGTGACGAGTCTGATGA-3'
Protein context (NP_005600.1, residues 630-650): VVNHDPAVGD[Arg640His]LRVIFLENYR

ClinVar aggregate classification (germline): Uncertain significance. Review status: criteria provided, multiple submitters, no conflicts (2 of 4 stars). 3 submissions from 3 submitters: Uncertain significance (3). Last evaluated 2024-04-26.

Conditions:
Glycogen storage disease, type V (GSD5). Also called: McArdle type glycogen storage disease; MCARDLE DISEASE; MUSCLE GLYCOGEN PHOSPHORYLASE DEFICIENCY; MYOPHOSPHORYLASE DEFICIENCY; PYGM DEFICIENCY. Identifiers: Orphanet 368, MedGen C0017924, MONDO:0009293, OMIM 232600.

Allele frequency attached by ClinVar (database versions not stated): gnomAD exomes 0.00002; ExAC 0.00005; TOPMed 0.00006; gnomAD 0.00008; ESP Exome Variant Server 0.00015.
gnomAD v4.1: 53 of 1,614,150 alleles (0.0033%); highest among the groups gnomAD compares: African/African-American, 0.04%; no homozygotes.

Submissions (3):

Fulgent Genetics
Classification: Uncertain significance for Glycogen storage disease, type V. Last evaluated: 2024-04-26. Review status: criteria provided, single submitter. Criteria: ACMG Guidelines, 2015. Collection method: clinical testing. Allele origin: germline.

Labcorp Genetics (formerly Invitae), Labcorp
Classification: Uncertain significance for Glycogen storage disease, type V. Last evaluated: 2022-05-12. Review status: criteria provided, single submitter. Criteria: Invitae Variant Classification Sherloc (09022015). Collection method: clinical testing. Allele origin: germline.
Comment: This sequence change replaces arginine, which is basic and polar, with histidine, which is basic and polar, at codon 640 of the PYGM protein (p.Arg640His). This variant is present in population databases (rs141267088, gnomAD 0.03%). This variant has not been reported in the literature in individuals affected with PYGM-related conditions. Algorithms developed to predict the effect of missense changes on protein structure and function are either unavailable or do not agree on the potential impact of this missense change (SIFT: "Not Available"; PolyPhen-2: "Possibly Damaging"; Align-GVGD: "Not Available"). In summary, the available evidence is currently insufficient to determine the role of this variant in disease. Therefore, it has been classified as a Variant of Uncertain Significance.

Revvity Omics, Revvity
Classification: Uncertain significance for Glycogen storage disease, type V. Last evaluated: 2019-06-27. Review status: criteria provided, single submitter. Criteria: ACMG Guidelines, 2015. Collection method: clinical testing. Allele origin: germline.